The following is an entry in ClinVar:

ClinVar aggregate classification (germline): Uncertain significance (1 of 4 stars; one submission).

Conditions:
Combined oxidative phosphorylation defect type 17. Also called: Combined oxidative phosphorylation deficiency 17. Identifiers: Orphanet 369913, MedGen C3809526, MONDO:0014190, OMIM 615440.

Submission:

Labcorp Genetics (formerly Invitae), Labcorp
Classification: Uncertain significance for Combined oxidative phosphorylation defect type 17. Last evaluated: 2022-05-05. Review status: criteria provided, single submitter. Criteria: Invitae Variant Classification Sherloc (09022015). Collection method: clinical testing. Allele origin: germline.
Comment: In summary, the available evidence is currently insufficient to determine the role of this variant in disease. Therefore, it has been classified as a Variant of Uncertain Significance. Algorithms developed to predict the effect of missense changes on protein structure and function are either unavailable or do not agree on the potential impact of this missense change (SIFT: "Tolerated"; PolyPhen-2: "Probably Damaging"; Align-GVGD: "Class C0"). This variant has not been reported in the literature in individuals affected with ELAC2-related conditions. This variant is not present in population databases (gnomAD no frequency). This sequence change replaces lysine, which is basic and polar, with threonine, which is neutral and polar, at codon 822 of the ELAC2 protein (p.Lys822Thr).

NM_018127.7(ELAC2):c.2465A>C (p.Lys822Thr)

Gene: ELAC2 (elaC ribonuclease Z 2; minus strand). Cytogenetic location: 17p12.
Variant type: single nucleotide variant.
Coding change: c.2465A>C on transcript NM_018127.7 (MANE Select); coding-DNA position 2465, A replaced by C.
Protein change: p.Lys822Thr; replaces lysine 822 with threonine.
Molecular consequence: missense variant.
Genome position (GRCh38, 1-based): chr17:12,992,834, T>G on the plus strand (A>C on the coding strand, the complement: ELAC2 is on the minus strand). VCF-style: chr17-12992834-T-G. GRCh37 (hg19) VCF-style: chr17-12896151-T-G.
Other names: c.2345A>C, p.Lys782Thr (NM_001165962.2); c.2462A>C, p.Lys821Thr (NM_173717.2); short protein forms K782T, K821T, K822T.
Identifiers: ClinVar variation 2133986 (VCV002133986.4), dbSNP rs2508199227, ClinGen allele CA398222025.